The following is an entry in ClinVar:

ClinVar aggregate classification (germline): Uncertain significance. Review status: criteria provided, single submitter (1 of 4 stars). 2 submissions from 2 submitters: Uncertain significance (1). 1 of the submissions does not count toward it. Last evaluated 2025-04-13.

Conditions:
UNC13A-related disorder. Also called: UNC13A-related condition.

gnomAD v4.1: 17 of 1,613,680 alleles (0.0011%); highest among the groups gnomAD compares: African/African-American, 0.0067%; no homozygotes.

Submissions (2):

Ambry Genetics
Classification: Uncertain significance. Last evaluated: 2025-04-13. Review status: criteria provided, single submitter. Criteria: Ambry Variant Classification Scheme 2023. Collection method: clinical testing. Allele origin: germline.

PreventionGenetics, part of Exact Sciences
Classification: Uncertain significance for UNC13A-related condition. Last evaluated: 2024-07-11. Review status: no assertion criteria provided. Collection method: clinical testing. Allele origin: germline. Not counted in ClinVar's aggregate classification.
Comment: The UNC13A c.3481C>T variant is predicted to result in the amino acid substitution p.Arg1161Trp. To our knowledge, this variant has not been reported in the literature or in a large population database, indicating this variant is rare. At this time, the clinical significance of this variant is uncertain due to the absence of conclusive functional and genetic evidence.

NM_001080421.3(UNC13A):c.3481C>T (p.Arg1161Trp)

Gene: UNC13A (unc-13 homolog A; minus strand). Cytogenetic location: 19p13.11.
Variant type: single nucleotide variant.
Coding change: c.3481C>T on transcript NM_001080421.3 (MANE Select); coding-DNA position 3481, C replaced by T.
Protein change: p.Arg1161Trp; replaces arginine 1161 with tryptophan.
Molecular consequence: missense variant.
Genome position (GRCh38, 1-based): chr19:17,630,698, G>A on the plus strand (C>T on the coding strand, the complement: UNC13A is on the minus strand). VCF-style: chr19-17630698-G-A. GRCh37 (hg19) VCF-style: chr19-17741507-G-A.
Other names: c.3475C>T, p.Arg1159Trp (NM_001387021.1, NM_001387022.1, NM_001387023.1); short protein forms R1159W, R1161W.
Identifiers: ClinVar variation 3345764 (VCV003345764.2).